The following is an entry in ClinVar:

NM_001267550.2(TTN):c.29799G>A (p.Ser9933=)

Gene: TTN (titin; minus strand). Cytogenetic location: 2q31.2.
Variant type: single nucleotide variant.
Coding change: c.29799G>A on transcript NM_001267550.2 (MANE Select); coding-DNA position 29799, G replaced by A.
Protein change: p.Ser9933=; no amino-acid change (serine 9933 retained).
Molecular consequence: synonymous variant. On other transcripts: intron variant (3).
Genome position (GRCh38, 1-based): chr2:178,704,673, C>T on the plus strand (G>A on the coding strand, the complement: TTN is on the minus strand). VCF-style: chr2-178704673-C-T. GRCh37 (hg19) VCF-style: chr2-179569400-C-T.
Other names: p.S8689S:TCG>TCA; p.Ser8689=; c.28848G>A, p.Ser9616= (NM_001256850.1); c.26067G>A, p.Ser8689= (NM_133378.4); c.13282+33409G>A (NM_003319.4); c.13858+33409G>A (NM_133437.4); c.13657+33409G>A (NM_133432.3).
Identifiers: ClinVar variation 46825 (VCV000046825.35), dbSNP rs2742344, ClinGen allele CA283056.

ClinVar aggregate classification (germline): Benign. Review status: criteria provided, multiple submitters, no conflicts (2 of 4 stars). 23 submissions from 16 submitters: Benign (20). 3 of the submissions do not count toward it. Last evaluated 2026-02-04.

Conditions:
Dilated cardiomyopathy 1G (CMD1G). Identifiers: Orphanet 154, MedGen C1858763, MONDO:0011400, OMIM 604145.
Autosomal recessive limb-girdle muscular dystrophy type 2J (LGMDR10). Also called: MUSCULAR DYSTROPHY, LIMB-GIRDLE, AUTOSOMAL RECESSIVE 10; Limb-girdle muscular dystrophy, type 2J. Identifiers: Orphanet 140922, MedGen C1837342, MONDO:0012127, OMIM 608807.
Cardiovascular phenotype. Identifiers: MedGen CN230736.
Early-onset myopathy with fatal cardiomyopathy (CMYO5). Also called: CONGENITAL MYOPATHY 5 WITH CARDIOMYOPATHY; Salih Myopathy. Identifiers: Orphanet 289377, MedGen C2673677, MONDO:0012714, OMIM 611705. Disease mechanism: loss of function.
Myopathy, myofibrillar, 9, with early respiratory failure (MFM9). Also called: Myopathy, distal, with early respiratory failure, autosomal dominant; Hereditary myopathy with early respiratory failure; MYOPATHY, PROXIMAL, WITH EARLY RESPIRATORY MUSCLE INVOLVEMENT; EDSTROM MYOPATHY. Identifiers: Orphanet 178464, Orphanet 34521, MedGen C1863599, MONDO:0011362, OMIM 603689.
Tibial muscular dystrophy (TMD). Also called: Udd Distal Myopathy – Tibial Muscular Dystrophy; Tibial muscular dystrophy, tardive; UDD MYOPATHY. Identifiers: Orphanet 609, MedGen C1838244, MONDO:0010870, OMIM 600334.

Allele frequency attached by ClinVar (database versions not stated): gnomAD 0.05154 and 0.05063; ExAC 0.05201; 1000 Genomes Project 30x 0.08136; 1000 Genomes Project 0.08427; TOPMed 0.05382; ESP Exome Variant Server 0.04199.
gnomAD v4.1: 55,002 of 1,611,548 alleles (3.4%); highest among the groups gnomAD compares: East Asian, 19%; 1,804 homozygotes.

Submissions (23):

Labcorp Genetics (formerly Invitae), Labcorp
Classification: Benign for Dilated cardiomyopathy 1G; Autosomal recessive limb-girdle muscular dystrophy type 2J. Last evaluated: 2026-02-04. Review status: criteria provided, single submitter. Criteria: Invitae Variant Classification Sherloc (09022015). Collection method: clinical testing. Allele origin: germline.

Molecular Diagnostic Laboratory for Inherited Cardiovascular Disease, Montreal Heart Institute
Classification: Benign. Last evaluated: 2025-04-09. Review status: criteria provided, single submitter. Criteria: ACMG Guidelines, 2015. Collection method: clinical testing. Allele origin: germline. Affected: no.

Genome-Nilou Lab
Classification: Benign for Autosomal recessive limb-girdle muscular dystrophy type 2J. Last evaluated: 2021-09-10. Review status: criteria provided, single submitter. Criteria: ACMG Guidelines, 2015. Collection method: clinical testing. Allele origin: germline. Affected: no.

Genome-Nilou Lab
Classification: Benign for Myopathy, myofibrillar, 9, with early respiratory failure. Last evaluated: 2021-09-10. Review status: criteria provided, single submitter. Criteria: ACMG Guidelines, 2015. Collection method: clinical testing. Allele origin: germline. Affected: no.

Genome-Nilou Lab
Classification: Benign for Early-onset myopathy with fatal cardiomyopathy. Last evaluated: 2021-09-10. Review status: criteria provided, single submitter. Criteria: ACMG Guidelines, 2015. Collection method: clinical testing. Allele origin: germline. Affected: no.

Genome-Nilou Lab
Classification: Benign for Tibial muscular dystrophy. Last evaluated: 2021-09-10. Review status: criteria provided, single submitter. Criteria: ACMG Guidelines, 2015. Collection method: clinical testing. Allele origin: germline. Affected: no.

Women's Health and Genetics/Laboratory Corporation of America, LabCorp
Classification: Benign. Last evaluated: 2019-09-14. Review status: criteria provided, single submitter. Criteria: LabCorp Variant Classification Summary - May 2015. Collection method: clinical testing. Allele origin: germline.

Athena Diagnostics
Classification: Benign. Last evaluated: 2018-12-14. Review status: criteria provided, single submitter. Criteria: Athena Diagnostics Criteria. Collection method: clinical testing. Allele origin: germline.

Illumina Laboratory Services, Illumina
Classification: Benign for Tibial muscular dystrophy. Last evaluated: 2018-01-12. Review status: criteria provided, single submitter. Criteria: ICSL Variant Classification Criteria 13 December 2019. Collection method: clinical testing. Allele origin: germline.
Comment: This variant was observed in the ICSL laboratory as part of a predisposition screen in an ostensibly healthy population. It had not been previously curated by ICSL or reported in the Human Gene Mutation Database (HGMD: prior to June 1st, 2018), and was therefore a candidate for classification through an automated scoring system. Utilizing variant allele frequency, disease prevalence and penetrance estimates, and inheritance mode, an automated score was calculated to assess if this variant is too frequent to cause the disease. Based on the score and internal cut-off values, a variant classified as benign is not then subjected to further curation. The score for this variant resulted in a classification of benign for this disease.

Illumina Laboratory Services, Illumina
Classification: Benign for Autosomal recessive limb-girdle muscular dystrophy type 2J. Last evaluated: 2018-01-12. Review status: criteria provided, single submitter. Criteria: ICSL Variant Classification Criteria 13 December 2019. Collection method: clinical testing. Allele origin: germline.
Comment: the same text as in the submission from Illumina Laboratory Services, Illumina above.

Illumina Laboratory Services, Illumina
Classification: Benign for Early-onset myopathy with fatal cardiomyopathy. Last evaluated: 2018-01-12. Review status: criteria provided, single submitter. Criteria: ICSL Variant Classification Criteria 13 December 2019. Collection method: clinical testing. Allele origin: germline.
Comment: the same text as in the submission from Illumina Laboratory Services, Illumina above.

Illumina Laboratory Services, Illumina
Classification: Benign for Dilated cardiomyopathy 1G. Last evaluated: 2018-01-12. Review status: criteria provided, single submitter. Criteria: ICSL Variant Classification Criteria 13 December 2019. Collection method: clinical testing. Allele origin: germline.
Comment: the same text as in the submission from Illumina Laboratory Services, Illumina above.

Illumina Laboratory Services, Illumina
Classification: Benign for Myopathy, myofibrillar, 9, with early respiratory failure. Last evaluated: 2018-01-12. Review status: criteria provided, single submitter. Criteria: ICSL Variant Classification Criteria 13 December 2019. Collection method: clinical testing. Allele origin: germline.
Comment: the same text as in the submission from Illumina Laboratory Services, Illumina above.

Mayo Clinic Laboratories, Mayo Clinic
Classification: Benign. Last evaluated: 2017-08-24. Review status: criteria provided, single submitter. Criteria: ACMG Guidelines, 2015. Collection method: clinical testing. Allele origin: germline. Observed: 165 variant alleles.

Genetic Services Laboratory, University of Chicago
Classification: Benign for AllHighlyPenetrant. Last evaluated: 2013-08-15. Review status: criteria provided, single submitter. Criteria: ACMG Guidelines, 2007. Collection method: clinical testing. Allele origin: germline.

GeneDx
Classification: Benign. Last evaluated: 2013-04-29. Review status: criteria provided, single submitter. Criteria: GeneDx Variant Classification (06012015). Collection method: clinical testing. Allele origin: germline. Affected: yes.
Comment: This variant is considered likely benign or benign based on one or more of the following criteria: it is a conservative change, it occurs at a poorly conserved position in the protein, it is predicted to be benign by multiple in silico algorithms, and/or has population frequency not consistent with disease.

Ambry Genetics
Classification: Benign for Cardiovascular phenotype. Last evaluated: 2013-01-16. Review status: criteria provided, single submitter. Criteria: Ambry Autosomal Dominant and X-Linked criteria (10/2015). Collection method: clinical testing. Allele origin: germline. Observed: 1 variant allele.

Laboratory for Molecular Medicine, Mass General Brigham Personalized Medicine
Classification: Benign. Last evaluated: 2012-04-19. Review status: criteria provided, single submitter. Criteria: LMM Criteria. Collection method: clinical testing. Allele origin: germline. Observed: 132 variant alleles.

Breakthrough Genomics
Classification: Benign. Review status: criteria provided, single submitter. Criteria: ACMG Guidelines, 2015. Collection method: not provided. Allele origin: germline. Inheritance: Autosomal recessive inheritance. Affected: yes.

PreventionGenetics, part of Exact Sciences
Classification: Benign. Review status: criteria provided, single submitter. Criteria: ACMG Guidelines, 2015. Collection method: clinical testing. Allele origin: germline.

Clinical Genetics DNA and cytogenetics Diagnostics Lab, Erasmus MC, Erasmus Medical Center
Classification: Benign. Review status: no assertion criteria provided. Collection method: clinical testing. Allele origin: germline. Affected: yes. Study: VKGL Data-share Consensus. Not counted in ClinVar's aggregate classification.

Clinical Genetics, Academic Medical Center
Classification: Benign. Review status: no assertion criteria provided. Collection method: clinical testing. Allele origin: germline. Affected: yes. Study: VKGL Data-share Consensus. Not counted in ClinVar's aggregate classification.

Laboratory of Diagnostic Genome Analysis, Leiden University Medical Center (LUMC)
Classification: Benign. Review status: no assertion criteria provided. Collection method: clinical testing. Allele origin: germline. Affected: yes. Study: VKGL Data-share Consensus. Not counted in ClinVar's aggregate classification.